The following is an entry in ClinVar:

NM_001370259.2(MEN1):c.442del (p.Thr148fs)

Gene: MEN1 (menin 1; minus strand). Cytogenetic location: 11q13.1.
Variant type: Deletion.
Coding change: c.442del on transcript NM_001370259.2 (MANE Select); coding-DNA position 442, one base deleted (A; older notation c.442delA).
Protein change: p.Thr148fs; shifts the reading frame from threonine 148.
Molecular consequence: frameshift variant.
Genome position (GRCh38, 1-based): chr11:64,809,668, T deleted on the plus strand (A on the coding strand, the reverse complement: MEN1 is on the minus strand). VCF-style (leftmost placement, unchanged base first): chr11-64809667-GT-G. GRCh37 (hg19) VCF-style: chr11-64577139-GT-G.
Other names: c.442delA (NM_130799.2); c.442del, p.Thr148fs (NM_000244.4, NM_001370251.2, NM_001370260.2 and 9 more transcripts); short protein forms T148fs.
Identifiers: ClinVar variation 965798 (VCV000965798.12), dbSNP rs1941975256, ClinGen allele CA1139662004.
Genomic context (GRCh38, chr11:64,809,667, plus strand): 5'-CATGGAGGGTTTTGAAGAAGTGGGTCATGGATAAGATTCCCACCTACTGGGCTCCAACCT[GT>G]GATGAAGCTGAAGAGGGACTGGATGTGGGCCCGATCCTTGAAGTAGGAGCGGCTGAGGCT-3'

ClinVar aggregate classification (germline): Pathogenic. Review status: criteria provided, multiple submitters, no conflicts (2 of 4 stars). 2 submissions from 2 submitters: Pathogenic (2). Last evaluated 2020-01-13.

Conditions:
Hereditary cancer-predisposing syndrome. Also called: Hereditary neoplastic syndrome; Hereditary Cancer Syndrome; Tumor predisposition; Neoplastic Syndromes, Hereditary. Identifiers: Orphanet 140162, MedGen C0027672, MeSH D009386, MONDO:0015356.
Multiple endocrine neoplasia, type 1 (MEN1). Also called: MEA I; MEN I; WERMER SYNDROME; Endocrine adenomatosis multiple; MEN 1. Identifiers: Orphanet 652, MedGen C0025267, MeSH D018761, MONDO:0007540, OMIM 131100.

Submissions (2):

Labcorp Genetics (formerly Invitae), Labcorp
Classification: Pathogenic for Multiple endocrine neoplasia, type 1. Last evaluated: 2020-01-13. Review status: criteria provided, single submitter. Criteria: Invitae Variant Classification Sherloc (09022015). Collection method: clinical testing. Allele origin: germline.
Comment: For these reasons, this variant has been classified as Pathogenic. Loss-of-function variants in MEN1 are known to be pathogenic (PMID: 12112656, 17853334). This variant has been observed in individual(s) with clinical features of multiple endocrine neoplasia syndrome type 1 (PMID: 15714081). This variant is not present in population databases (ExAC no frequency). This sequence change creates a premature translational stop signal (p.Thr148Glnfs*37) in the MEN1 gene. It is expected to result in an absent or disrupted protein product.

Ambry Genetics
Classification: Pathogenic for Hereditary cancer-predisposing syndrome. Last evaluated: 2019-06-25. Review status: criteria provided, single submitter. Criteria: Ambry Variant Classification Scheme 2023. Collection method: clinical testing. Allele origin: germline.
Comment: The c.442delA pathogenic mutation, located in coding exon 1 of the MEN1 gene, results from a deletion of one nucleotide at nucleotide position 442, causing a translational frameshift with a predicted alternate stop codon (p.T148Qfs*37). This alteration was identified in a cohort of individuals undergoing MEN1 gene testing (Klein RD et al. Genet. Med. 2005 Feb;7:131-8). In addition to the clinical data presented in the literature, this alteration is expected to result in loss of function by premature protein truncation or nonsense-mediated mRNA decay. As such, this alteration is interpreted as a disease-causing mutation.

Literature cited by the submitters: PubMed 12112656 (cited by Labcorp Genetics (formerly Invitae), Labcorp); PubMed 17853334 (cited by Labcorp Genetics (formerly Invitae), Labcorp); PubMed 15714081 (cited by Labcorp Genetics (formerly Invitae), Labcorp and Ambry Genetics).